The following is an entry in ClinVar:

ClinVar aggregate classification (germline): Conflicting classifications of pathogenicity. Review status: criteria provided, conflicting classifications (1 of 4 stars). 6 submissions from 5 submitters: Uncertain significance (3); Likely benign (2). 1 of the submissions does not count toward it. Last evaluated 2026-01-20.

Conditions:
TRIM32-related disorder. Also called: TRIM32-related condition.
Bardet-Biedl syndrome (BBS). Identifiers: Orphanet 110, MedGen C0752166, MONDO:0015229.
Bardet-Biedl syndrome 11 (BBS11). Identifiers: Orphanet 110, MedGen C1859569, MONDO:0014439, OMIM 615988.
Sarcotubular myopathy (LGMDR8). Also called: Limb-girdle muscular dystrophy, type 2H; Hutterite type of muscular dystrophy; Autosomal recessive limb-girdle muscular dystrophy type 2H; MUSCULAR DYSTROPHY, LIMB-GIRDLE, AUTOSOMAL RECESSIVE 8. Identifiers: Orphanet 1878, MedGen C0270968, MONDO:0009683, OMIM 254110.

Allele frequency attached by ClinVar (database versions not stated): gnomAD 0.00005; ExAC 0.00008; gnomAD exomes 0.00008; TOPMed 0.00009; ESP Exome Variant Server 0.00015.
gnomAD v4.1: 217 of 1,614,066 alleles (0.013%); highest among the groups gnomAD compares: Non-Finnish European, 0.017%; no homozygotes.

Submissions (6):

Labcorp Genetics (formerly Invitae), Labcorp
Classification: Likely benign for Bardet-Biedl syndrome. Last evaluated: 2026-01-20. Review status: criteria provided, single submitter. Criteria: Invitae Variant Classification Sherloc (09022015). Collection method: clinical testing. Allele origin: germline.

Blueprint Genetics
Classification: Likely benign. Last evaluated: 2024-09-24. Review status: criteria provided, single submitter. Criteria: ACMG Guidelines, 2015. Collection method: clinical testing. Allele origin: germline.

Illumina Laboratory Services, Illumina
Classification: Uncertain significance for Sarcotubular myopathy. Last evaluated: 2018-01-12. Review status: criteria provided, single submitter. Criteria: ICSL Variant Classification Criteria 13 December 2019. Collection method: clinical testing. Allele origin: germline.

Illumina Laboratory Services, Illumina
Classification: Uncertain significance for Bardet-Biedl syndrome 11. Last evaluated: 2018-01-12. Review status: criteria provided, single submitter. Criteria: ICSL Variant Classification Criteria 13 December 2019. Collection method: clinical testing. Allele origin: germline.

Eurofins Ntd Llc (ga)
Classification: Uncertain significance. Last evaluated: 2017-11-13. Review status: criteria provided, single submitter. Criteria: EGL Classification Definitions 2015. Collection method: clinical testing. Allele origin: germline. Observed: 5 variant alleles, 5 heterozygotes.

PreventionGenetics, part of Exact Sciences
Classification: Likely benign for TRIM32-related condition. Last evaluated: 2020-08-28. Review status: no assertion criteria provided. Collection method: clinical testing. Allele origin: germline. Not counted in ClinVar's aggregate classification.
Comment: This variant is classified as likely benign based on ACMG/AMP sequence variant interpretation guidelines (Richards et al. 2015 PMID: 25741868, with internal and published modifications).

NM_012210.4(TRIM32):c.1458C>T (p.Thr486=)

Genes: ASTN2 (astrotactin 2; minus strand), TRIM32 (tripartite motif containing 32; plus strand). Cytogenetic location: 9q33.1.
Variant type: single nucleotide variant.
Coding change: c.1458C>T on transcript NM_012210.4 (MANE Select); coding-DNA position 1458, C replaced by T.
Protein change: p.Thr486=; no amino-acid change (threonine 486 retained).
Molecular consequence: synonymous variant. On other transcripts: intron variant (3).
Genome position (GRCh38, 1-based): chr9:116,699,200, C>T. VCF-style: chr9-116699200-C-T. GRCh37 (hg19) VCF-style: chr9-119461479-C-T.
Other names: c.1458C>T, p.Thr486= (NM_001099679.2, NM_001379048.1, NM_001379049.1 and 1 more transcripts); c.2653+26571G>A (NM_014010.5); c.2794+26571G>A (NM_001365069.1); c.2806+26571G>A (NM_001365068.1).
Identifiers: ClinVar variation 95496 (VCV000095496.19), dbSNP rs141965401, ClinGen allele CA223032.